The following is an entry in ClinVar:

NC_000008.11:g.100383251G>A

Gene: VPS13B (vacuolar protein sorting 13 homolog B; plus strand). Cytogenetic location: 8q22.2.
Variant type: single nucleotide variant.
Genome position: GRCh38 VCF-style: chr8-100383251-G-A. GRCh37 (hg19) VCF-style: chr8-101395479-G-A.
Identifiers: ClinVar variation 4996570 (VCV004996570.1).
Genomic context (GRCh38, chr8:100,383,251, plus strand): 5'-TCTTTCCATGAACTATATCTGTTAGCAAAACTCTGACTAAAAGTAAATTCCACAAATAGG[G>A]GTTTATGTTTCTCAAACAACATGAAGGTTAAAAGTACAACAATGGTGCTGATTCATCAGC-3'

ClinVar aggregate classification (germline): Likely benign (1 of 4 stars; one submission).

Conditions:
VPS13B-related disorder. Also called: VPS13B-related condition.

Submission:

PreventionGenetics, part of Exact Sciences
Classification: Likely benign for VPS13B-related condition. Last evaluated: 2026-01-26. Review status: criteria provided, single submitter. Criteria: ACMG Guidelines, 2015. Collection method: clinical testing. Allele origin: germline.
Comment: This variant is classified as likely benign based on ACMG/AMP sequence variant interpretation guidelines (Richards et al. 2015 PMID: 25741868, with internal and published modifications).